The following is an entry in ClinVar:

NM_025144.4(ALPK1):c.1222G>A (p.Val408Ile)

Gene: ALPK1 (alpha kinase 1; plus strand). Cytogenetic location: 4q25.
Variant type: single nucleotide variant.
Coding change: c.1222G>A on transcript NM_025144.4 (MANE Select); coding-DNA position 1222, G replaced by A.
Protein change: p.Val408Ile; replaces valine 408 with isoleucine.
Molecular consequence: missense variant.
Genome position (GRCh38, 1-based): chr4:112,430,769, G>A. VCF-style: chr4-112430769-G-A. GRCh37 (hg19) VCF-style: chr4-113351925-G-A.
Other names: c.1222G>A, p.Val408Ile (NM_001102406.2); c.988G>A, p.Val330Ile (NM_001253884.2); short protein forms V330I, V408I.
Identifiers: ClinVar variation 2968568 (VCV002968568.3), dbSNP rs1423898273, ClinGen allele CA357894162.

ClinVar aggregate classification (germline): Uncertain significance (1 of 4 stars; one submission).

Allele frequency attached by ClinVar (database versions not stated): gnomAD exomes 0.00001.
gnomAD v4.1: 3 of 1,614,228 alleles (0.00019%); highest among the groups gnomAD compares: Non-Finnish European, 0.00025%; no homozygotes.

Submission:

Labcorp Genetics (formerly Invitae), Labcorp
Classification: Uncertain significance. Last evaluated: 2025-06-18. Review status: criteria provided, single submitter. Criteria: Invitae Variant Classification Sherloc (09022015). Collection method: clinical testing. Allele origin: germline.
Comment: This sequence change replaces valine, which is neutral and non-polar, with isoleucine, which is neutral and non-polar, at codon 408 of the ALPK1 protein (p.Val408Ile). This variant is present in population databases (no rsID available, gnomAD 0.0009%). This variant has not been reported in the literature in individuals affected with ALPK1-related conditions. ClinVar contains an entry for this variant (Variation ID: 2968568). Invitae Evidence Modeling of protein sequence and biophysical properties (such as structural, functional, and spatial information, amino acid conservation, physicochemical variation, residue mobility, and thermodynamic stability) indicates that this missense variant is not expected to disrupt ALPK1 protein function with a negative predictive value of 80%. In summary, the available evidence is currently insufficient to determine the role of this variant in disease. Therefore, it has been classified as a Variant of Uncertain Significance.